The following is an entry in ClinVar:

NM_001970.5(EIF5A):c.381C>T (p.Tyr127=)

Gene: EIF5A (eukaryotic translation initiation factor 5A; plus strand). Cytogenetic location: 17p13.1.
Variant type: single nucleotide variant.
Coding change: c.381C>T on transcript NM_001970.5 (MANE Select); coding-DNA position 381, C replaced by T.
Protein change: p.Tyr127=; no amino-acid change (tyrosine 127 retained).
Molecular consequence: synonymous variant.
Genome position (GRCh38, 1-based): chr17:7,311,460, C>T. VCF-style: chr17-7311460-C-T. GRCh37 (hg19) VCF-style: chr17-7214779-C-T.
Other names: c.471C>T, p.Tyr157= (NM_001143760.1); c.381C>T, p.Tyr127= (NM_001143761.1, NM_001143762.2, NM_001370420.1 and 1 more transcripts).
Identifiers: ClinVar variation 3777920 (VCV003777920.7).

ClinVar aggregate classification (germline): Likely benign (1 of 4 stars; one submission).

gnomAD v4.1: 42 of 1,613,968 alleles (0.0026%); highest among the groups gnomAD compares: Admixed American, 0.05%; no homozygotes.

Submission:

CeGaT Center for Human Genetics Tuebingen
Classification: Likely benign. Last evaluated: 2026-09-01. Review status: criteria provided, single submitter. Criteria: CeGaT Center For Human Genetics Tuebingen Variant Classification Criteria Version 2. Collection method: clinical testing. Allele origin: germline. Affected: yes. Observed: 2 variant alleles.
Comment: EIF5A: BP4, BP7